The following is an entry in ClinVar:

ClinVar aggregate classification (germline): Uncertain significance (1 of 4 stars; one submission).

Conditions:
Familial hemophagocytic lymphohistiocytosis 3 (FHL3). Also called: UNC13D-Related Familial Hemophagocytic Lymphohistiocytosis (UNC13D-fHLH). Identifiers: Orphanet 540, MedGen C1837174, MONDO:0012146, OMIM 608898.

Allele frequency attached by ClinVar (database versions not stated): gnomAD exomes 0.00001; TOPMed 0.00002; gnomAD 0.00003; ExAC 0.00004.
gnomAD v4.1: 16 of 1,592,192 alleles (0.001%); highest among the groups gnomAD compares: East Asian, 0.027%; no homozygotes.

Submission:

Labcorp Genetics (formerly Invitae), Labcorp
Classification: Uncertain significance for Familial hemophagocytic lymphohistiocytosis 3. Last evaluated: 2022-08-30. Review status: criteria provided, single submitter. Criteria: Invitae Variant Classification Sherloc (09022015). Collection method: clinical testing. Allele origin: germline.
Comment: This sequence change replaces serine, which is neutral and polar, with asparagine, which is neutral and polar, at codon 747 of the UNC13D protein (p.Ser747Asn). This variant is present in population databases (rs771073483, gnomAD 0.05%). This missense change has been observed in individual(s) with clinical features of hemophagocytic lymphohistiocytosis and/or Hodgkin lymphoma (PMID: 21881043, 29113160, 29665027). Algorithms developed to predict the effect of missense changes on protein structure and function are either unavailable or do not agree on the potential impact of this missense change (SIFT: "Not Available"; PolyPhen-2: "Benign"; Align-GVGD: "Not Available"). In summary, the available evidence is currently insufficient to determine the role of this variant in disease. Therefore, it has been classified as a Variant of Uncertain Significance.

Literature cited by the submitters: PubMed 21881043; PubMed 29113160; PubMed 29665027.

NM_199242.3(UNC13D):c.2240G>A (p.Ser747Asn)

Gene: UNC13D (unc-13 homolog D; minus strand). Cytogenetic location: 17q25.1.
Variant type: single nucleotide variant.
Coding change: c.2240G>A on transcript NM_199242.3 (MANE Select); coding-DNA position 2240, G replaced by A.
Protein change: p.Ser747Asn; replaces serine 747 with asparagine.
Molecular consequence: missense variant.
Genome position (GRCh38, 1-based): chr17:75,834,383, C>T on the plus strand (G>A on the coding strand, the complement: UNC13D is on the minus strand). VCF-style: chr17-75834383-C-T. GRCh37 (hg19) VCF-style: chr17-73830464-C-T.
Other names: short protein forms S747N.
Identifiers: ClinVar variation 2138105 (VCV002138105.1), dbSNP rs771073483, ClinGen allele CA8772636.
Genomic context (GRCh38, chr17:75,834,383, plus strand): 5'-ACCTGCTCGGCCAGGGTGCGGACGCCAGTGCGGATCTCATGGCCCAGCCCGGCCAGCGCG[C>T]TCTGCAGCTGGGCATGCAGCGTGTTCTGCAGCTGCCCCTGCTCCAGCACGGCCCCTACCC-3'
Protein context (NP_954712.1, residues 737-757): LQNTLHAQLQ[Ser747Asn]ALAGLGHEIR